The following is an entry in ClinVar:

NM_000043.6(FAS):c.767A>G (p.Glu256Gly)

Gene: FAS (Fas cell surface death receptor; plus strand). Cytogenetic location: 10q23.31.
Variant type: single nucleotide variant.
Coding change: c.767A>G on transcript NM_000043.6 (MANE Select); coding-DNA position 767, A replaced by G.
Protein change: p.Glu256Gly; replaces glutamic acid 256 with glycine.
Molecular consequence: missense variant. On other transcripts: 3 prime UTR variant (2), non-coding transcript variant (7).
Genome position (GRCh38, 1-based): chr10:89,014,209, A>G. VCF-style: chr10-89014209-A-G. GRCh37 (hg19) VCF-style: chr10-90773966-A-G.
Other names: c.*90A>G (NM_001320619.2); c.704A>G, p.Glu235Gly (NM_152871.4); c.*79A>G (NM_152872.4); short protein forms E256G, E235G.
Identifiers: ClinVar variation 1398630 (VCV001398630.8), dbSNP rs2119445897, ClinGen allele CA377509758.

ClinVar aggregate classification (germline): Uncertain significance (1 of 4 stars; one submission).

Conditions:
Autoimmune lymphoproliferative syndrome type 1. Also called: AUTOIMMUNE LYMPHOPROLIFERATIVE SYNDROME, TYPE I, AUTOSOMAL DOMINANT. Identifiers: Orphanet 3261, MedGen C2717884, MONDO:0011158, OMIM 601859.

Submission:

Labcorp Genetics (formerly Invitae), Labcorp
Classification: Uncertain significance for Autoimmune lymphoproliferative syndrome. Last evaluated: 2021-05-31. Review status: criteria provided, single submitter. Criteria: Invitae Variant Classification Sherloc (09022015). Collection method: clinical testing. Allele origin: germline.
Comment: In summary, the available evidence is currently insufficient to determine the role of this variant in disease. Therefore, it has been classified as a Variant of Uncertain Significance. Algorithms developed to predict the effect of missense changes on protein structure and function are either unavailable or do not agree on the potential impact of this missense change (SIFT: "Not Available"; PolyPhen-2: "Probably Damaging"; Align-GVGD: "Not Available"). This variant has not been reported in the literature in individuals with FAS-related conditions. This variant is not present in population databases (ExAC no frequency). This sequence change replaces glutamic acid with glycine at codon 256 of the FAS protein (p.Glu256Gly). The glutamic acid residue is moderately conserved and there is a moderate physicochemical difference between glutamic acid and glycine.